The following is an entry in ClinVar:

NM_006361.6(HOXB13):c.745A>G (p.Ile249Val)

Gene: HOXB13 (homeobox B13; minus strand). Cytogenetic location: 17q21.32.
Variant type: single nucleotide variant.
Coding change: c.745A>G on transcript NM_006361.6 (MANE Select); coding-DNA position 745, A replaced by G.
Protein change: p.Ile249Val; replaces isoleucine 249 with valine.
Molecular consequence: missense variant.
Genome position (GRCh38, 1-based): chr17:48,726,900, T>C on the plus strand (A>G on the coding strand, the complement: HOXB13 is on the minus strand). VCF-style: chr17-48726900-T-C. GRCh37 (hg19) VCF-style: chr17-46804262-T-C.
Other names: short protein forms I249V.
Identifiers: ClinVar variation 1041470 (VCV001041470.9), dbSNP rs2038216895, ClinGen allele CA400106095.

ClinVar aggregate classification (germline): Uncertain significance (1 of 4 stars; one submission).

Submission:

Labcorp Genetics (formerly Invitae), Labcorp
Classification: Uncertain significance. Last evaluated: 2023-10-13. Review status: criteria provided, single submitter. Criteria: Invitae Variant Classification Sherloc (09022015). Collection method: clinical testing. Allele origin: germline.
Comment: This sequence change replaces isoleucine, which is neutral and non-polar, with valine, which is neutral and non-polar, at codon 249 of the HOXB13 protein (p.Ile249Val). This variant is not present in population databases (gnomAD no frequency). This variant has not been reported in the literature in individuals affected with HOXB13-related conditions. ClinVar contains an entry for this variant (Variation ID: 1041470). Advanced modeling of protein sequence and biophysical properties (such as structural, functional, and spatial information, amino acid conservation, physicochemical variation, residue mobility, and thermodynamic stability) performed at Invitae indicates that this missense variant is not expected to disrupt HOXB13 protein function. In summary, the available evidence is currently insufficient to determine the role of this variant in disease. Therefore, it has been classified as a Variant of Uncertain Significance.